The following is an entry in ClinVar:

ClinVar aggregate classification (germline): Uncertain significance. Review status: criteria provided, multiple submitters, no conflicts (2 of 4 stars). 2 submissions from 2 submitters: Uncertain significance (2). Last evaluated 2026-01-12.

Conditions:
Inborn genetic diseases. Identifiers: MedGen C0950123, MeSH D030342.

Allele frequency attached by ClinVar (database versions not stated): gnomAD exomes 0.00002; ExAC 0.00004; gnomAD 0.00011; TOPMed 0.00018; ESP Exome Variant Server 0.00023.
gnomAD v4.1: 41 of 1,589,532 alleles (0.0026%); highest among the groups gnomAD compares: African/African-American, 0.046%; no homozygotes.

Submissions (2):

Labcorp Genetics (formerly Invitae), Labcorp
Classification: Uncertain significance. Last evaluated: 2026-01-12. Review status: criteria provided, single submitter. Criteria: Invitae Variant Classification Sherloc (09022015). Collection method: clinical testing. Allele origin: germline.
Comment: This sequence change replaces isoleucine, which is neutral and non-polar, with methionine, which is neutral and non-polar, at codon 476 of the C9 protein (p.Ile476Met). This variant is present in population databases (rs139889293, gnomAD 0.04%). This variant has not been reported in the literature in individuals affected with C9-related conditions. ClinVar contains an entry for this variant (Variation ID: 2152468). Invitae Evidence Modeling of protein sequence and biophysical properties (such as structural, functional, and spatial information, amino acid conservation, physicochemical variation, residue mobility, and thermodynamic stability) indicates that this missense variant is expected to disrupt C9 protein function with a positive predictive value of 80%. In summary, the available evidence is currently insufficient to determine the role of this variant in disease. Therefore, it has been classified as a Variant of Uncertain Significance.

Ambry Genetics
Classification: Uncertain significance for Inborn genetic diseases. Last evaluated: 2024-04-23. Review status: criteria provided, single submitter. Criteria: Ambry Variant Classification Scheme 2023. Collection method: clinical testing. Allele origin: germline.

NM_001737.5(C9):c.1428A>G (p.Ile476Met)

Gene: C9 (complement C9; minus strand). Cytogenetic location: 5p13.1.
Variant type: single nucleotide variant.
Coding change: c.1428A>G on transcript NM_001737.5 (MANE Select); coding-DNA position 1428, A replaced by G.
Protein change: p.Ile476Met; replaces isoleucine 476 with methionine.
Molecular consequence: missense variant.
Genome position (GRCh38, 1-based): chr5:39,288,940, T>C on the plus strand (A>G on the coding strand, the complement: C9 is on the minus strand). VCF-style: chr5-39288940-T-C. GRCh37 (hg19) VCF-style: chr5-39289042-T-C.
Other names: short protein forms I476M.
Identifiers: ClinVar variation 2152468 (VCV002152468.4), dbSNP rs139889293, ClinGen allele CA3246684.